The following is an entry in ClinVar:

NM_001083962.2(TCF4):c.854G>A (p.Arg285His)

Genes: TCF4 (transcription factor 4; minus strand), LOC126862757 (CDK7 strongly-dependent group 2 enhancer GRCh37_chr18:52936433-52937632; plus strand). Cytogenetic location: 18q21.2.
Variant type: single nucleotide variant.
Coding change: c.854G>A on transcript NM_001083962.2 (MANE Select); coding-DNA position 854, G replaced by A.
Protein change: p.Arg285His; replaces arginine 285 with histidine.
Molecular consequence: missense variant.
Genome position (GRCh38, 1-based): chr18:55,269,899, C>T on the plus strand (G>A on the coding strand, the complement: TCF4 is on the minus strand). VCF-style: chr18-55269899-C-T. GRCh37 (hg19) VCF-style: chr18-52937130-C-T.
Other names: c.854G>A, p.Arg285His (NM_001330604.3, NM_001369574.1, NM_001369567.1 and 4 more transcripts); c.464G>A, p.Arg155His (NM_001330605.3, NM_001348212.2, NM_001348213.2 and 1 more transcripts); c.728G>A, p.Arg243His (NM_001348211.2, NM_001243231.2); c.374G>A, p.Arg125His (NM_001348214.2, NM_001348216.2, NM_001243234.2 and 2 more transcripts); c.206G>A, p.Arg69His (NM_001348215.2); c.782G>A, p.Arg261His (NM_001348217.1, NM_001348218.2, NM_001369575.1 and 9 more transcripts); c.779G>A, p.Arg260His (NM_001369576.1, NM_001369578.1, NM_001369581.1 and 3 more transcripts); c.1160G>A, p.Arg387His (NM_001243226.3); and 4 more; short protein forms R214H, R284H, R125H, R260H, R285H, R387H, R69H, R155H.
Identifiers: ClinVar variation 2121661 (VCV002121661.4), dbSNP rs769123898, ClinGen allele CA8970378.
Genomic context (GRCh38, chr18:55,269,899, plus strand): 5'-CTGTCTGTCCCGTTGGCAGGAGGCGTACAGGAAGAGGTGCTGTAATGGTTTGTACCACTA[C>T]GATGGAAAGTGGACATCGGAGGAAGACTGGAATTGATGTCTGCTGAGGAGTGTGATGGAT-3'
Protein context (NP_001077431.1, residues 275-295): SSLPPMSTFH[Arg285His]SGTNHYSTSS

ClinVar aggregate classification (germline): Conflicting classifications of pathogenicity. Review status: criteria provided, conflicting classifications (1 of 4 stars). 2 submissions from 2 submitters: Uncertain significance (1); Likely benign (1). Last evaluated 2026-06-01.

Conditions:
Pitt-Hopkins syndrome (PTHS). Also called: ENCEPHALOPATHY, SEVERE EPILEPTIC, WITH AUTONOMIC DYSFUNCTION; MENTAL RETARDATION, SYNDROMAL, WITH INTERMITTENT HYPERVENTILATION. Identifiers: Orphanet 2896, MedGen C1970431, MONDO:0012589, OMIM 610954.

Allele frequency attached by ClinVar (database versions not stated): gnomAD 0.00001; TOPMed 0.00001.

Submissions (2):

CeGaT Center for Human Genetics Tuebingen
Classification: Likely benign. Last evaluated: 2026-06-01. Review status: criteria provided, single submitter. Criteria: CeGaT Center For Human Genetics Tuebingen Variant Classification Criteria Version 2. Collection method: clinical testing. Allele origin: germline. Affected: yes. Observed: 1 variant allele.
Comment: TCF4: BS2

Labcorp Genetics (formerly Invitae), Labcorp
Classification: Uncertain significance for Pitt-Hopkins syndrome. Last evaluated: 2022-11-01. Review status: criteria provided, single submitter. Criteria: Invitae Variant Classification Sherloc (09022015). Collection method: clinical testing. Allele origin: germline.
Comment: In summary, the available evidence is currently insufficient to determine the role of this variant in disease. Therefore, it has been classified as a Variant of Uncertain Significance. Advanced modeling of protein sequence and biophysical properties (such as structural, functional, and spatial information, amino acid conservation, physicochemical variation, residue mobility, and thermodynamic stability) performed at Invitae indicates that this missense variant is not expected to disrupt TCF4 protein function. This variant has not been reported in the literature in individuals affected with TCF4-related conditions. This variant is present in population databases (rs769123898, gnomAD 0.0009%). This sequence change replaces arginine, which is basic and polar, with histidine, which is basic and polar, at codon 285 of the TCF4 protein (p.Arg285His).